The following is an entry in ClinVar:

NC_000019.9:g.(?_48945528)_(48946732_?)del

Gene: GRIN2D (glutamate ionotropic receptor NMDA type subunit 2D; plus strand). Cytogenetic location: 19q13.33.
Variant type: Deletion.
Identifiers: ClinVar variation 2423422 (VCV002423422.4).

ClinVar aggregate classification (germline): Uncertain significance (1 of 4 stars; one submission).

Submission:

Labcorp Genetics (formerly Invitae), Labcorp
Classification: Uncertain significance. Last evaluated: 2022-06-13. Review status: criteria provided, single submitter. Criteria: Invitae Variant Classification Sherloc (09022015). Collection method: clinical testing. Allele origin: germline.
Comment: In summary, the available evidence is currently insufficient to determine the role of this variant in disease. Therefore, it has been classified as a Variant of Uncertain Significance. Experimental studies and prediction algorithms are not available or were not evaluated, and the functional significance of this variant is currently unknown. This variant has not been reported in the literature in individuals affected with GRIN2D-related conditions. This variant results in the deletion of part of exon 12 and part of exon 13 (c.2563_3550del) of the GRIN2D gene. While this deletion is not anticipated to lead to nonsense mediated decay, it is expected to disrupt the C-terminus of the protein.